The following is an entry in ClinVar:

ClinVar aggregate classification (germline): Pathogenic (1 of 4 stars; one submission).

Conditions:
Ellis-van Creveld syndrome (EVC). Also called: MESOECTODERMAL DYSPLASIA; Chondroectodermal dysplasia. Identifiers: Orphanet 289, MedGen C0013903, MONDO:0009162, OMIM 225500.

Submission:

Myriad Genetics, Inc.
Classification: Pathogenic for Ellis-van Creveld syndrome. Last evaluated: 2024-10-27. Review status: criteria provided, single submitter. Criteria: Myriad Autosomal Dominant, Autosomal Recessive and X-Linked Classification Criteria (2023). Collection method: clinical testing. Allele origin: unknown.
Comment: NM_147127.4(EVC2):c.1975delG(D659Tfs*2) is expected to be pathogenic in the context of EVC2-related Ellis-van Creveld syndrome. This variant is predicted to lead to an abnormal or absent protein product due to the creation of a premature termination codon in EVC2, a gene where loss-of-function variants are known to be pathogenic. Please note: this variant was assessed in the context of healthy population screening.

NM_147127.5(EVC2):c.1975del (p.Asp659fs)

Gene: EVC2 (EvC ciliary complex subunit 2; minus strand). Cytogenetic location: 4p16.2.
Variant type: Deletion.
Coding change: c.1975del on transcript NM_147127.5 (MANE Select); coding-DNA position 1975, one base deleted (G; older notation c.1975delG).
Protein change: p.Asp659fs; shifts the reading frame from aspartic acid 659.
Molecular consequence: frameshift variant.
Genome position (GRCh38, 1-based): chr4:5,625,820, C deleted on the plus strand (G on the coding strand, the reverse complement: EVC2 is on the minus strand). VCF-style (leftmost placement, unchanged base first): chr4-5625819-TC-T. GRCh37 (hg19) VCF-style: chr4-5627546-TC-T.
Other names: c.1735del, p.Asp579fs (NM_001166136.2); short protein forms D579fs, D659fs.
Identifiers: ClinVar variation 5013681 (VCV005013681.1).
Genomic context (GRCh38, chr4:5,625,819, plus strand): 5'-AACTCTCGTCTTCTCTTAGTTATTAATTTTTGGTGGAGCTTTTTCTTTTCCTGCTTTAAG[TC>T]ATTGTCCAACTTCTGCTTGATTGAAAAGACTTCTGTCTGAGCCCGCTCCAATAGCATTTC-3'